The following is an entry in ClinVar:

ClinVar aggregate classification (germline): Uncertain significance (1 of 4 stars; one submission).

Conditions:
Bethlem myopathy 1A. Also called: MYOPATHY, BENIGN CONGENITAL, WITH CONTRACTURES; Bethlem myopathy 1; Bethlem Muscular Dystrophy. Identifiers: Orphanet 610, MedGen CN029274, MONDO:0024530, OMIM 158810.

Submission:

Labcorp Genetics (formerly Invitae), Labcorp
Classification: Uncertain significance for Bethlem myopathy 1A. Last evaluated: 2025-07-07. Review status: criteria provided, single submitter. Criteria: Invitae Variant Classification Sherloc (09022015). Collection method: clinical testing. Allele origin: germline.
Comment: This sequence change replaces isoleucine, which is neutral and non-polar, with threonine, which is neutral and polar, at codon 232 of the COL6A1 protein (p.Ile232Thr). This variant is not present in population databases (gnomAD no frequency). This variant has not been reported in the literature in individuals affected with COL6A1-related conditions. ClinVar contains an entry for this variant (Variation ID: 2110956). Invitae Evidence Modeling of protein sequence and biophysical properties (such as structural, functional, and spatial information, amino acid conservation, physicochemical variation, residue mobility, and thermodynamic stability) indicates that this missense variant is not expected to disrupt COL6A1 protein function with a negative predictive value of 95%. In summary, the available evidence is currently insufficient to determine the role of this variant in disease. Therefore, it has been classified as a Variant of Uncertain Significance.

NM_001848.3(COL6A1):c.695T>C (p.Ile232Thr)

Gene: COL6A1 (collagen type VI alpha 1 chain; plus strand). Cytogenetic location: 21q22.3.
Variant type: single nucleotide variant.
Coding change: c.695T>C on transcript NM_001848.3 (MANE Select); coding-DNA position 695, T replaced by C.
Protein change: p.Ile232Thr; replaces isoleucine 232 with threonine.
Molecular consequence: missense variant.
Genome position (GRCh38, 1-based): chr21:45,987,050, T>C. VCF-style: chr21-45987050-T-C. GRCh37 (hg19) VCF-style: chr21-47406964-T-C.
Other names: short protein forms I232T.
Identifiers: ClinVar variation 2110956 (VCV002110956.4), dbSNP rs2526316238, ClinGen allele CA410518941.